The following is an entry in ClinVar:

NM_001308330.2(STXBP5L):c.1563C>T (p.Tyr521=)

Gene: STXBP5L (syntaxin binding protein 5L; plus strand). Cytogenetic location: 3q13.33.
Variant type: single nucleotide variant.
Coding change: c.1563C>T on transcript NM_001308330.2 (MANE Select); coding-DNA position 1563, C replaced by T.
Protein change: p.Tyr521=; no amino-acid change (tyrosine 521 retained).
Molecular consequence: synonymous variant. On other transcripts: non-coding transcript variant (1).
Genome position (GRCh38, 1-based): chr3:121,255,016, C>T. VCF-style: chr3-121255016-C-T. GRCh37 (hg19) VCF-style: chr3-120973863-C-T.
Other names: c.1563C>T, p.Tyr521= (NM_001348343.2, NM_001348344.2, NM_001348345.2 and 1 more transcripts); c.1563C>T (NM_014980.2).
Identifiers: ClinVar variation 2654062 (VCV002654062.25), dbSNP rs139305792, ClinGen allele CA2561483.

ClinVar aggregate classification (germline): Likely benign. Review status: criteria provided, single submitter (1 of 4 stars). 2 submissions from 2 submitters: Likely benign (1). 1 of the submissions does not count toward it. Last evaluated 2022-10-01.

Conditions:
STXBP5L-related disorder. Also called: STXBP5L-related condition.

Allele frequency attached by ClinVar (database versions not stated): 1000 Genomes Project 30x 0.00078; 1000 Genomes Project 0.00080; ExAC 0.00085; gnomAD 0.00106; TOPMed 0.00113; ESP Exome Variant Server 0.00151; gnomAD exomes 0.00196.
gnomAD v4.1: 3,007 of 1,613,600 alleles (0.19%); highest among the groups gnomAD compares: Non-Finnish European, 0.23%; 4 homozygotes.

Submissions (2):

CeGaT Center for Human Genetics Tuebingen
Classification: Likely benign. Last evaluated: 2022-10-01. Review status: criteria provided, single submitter. Criteria: CeGaT Center For Human Genetics Tuebingen Variant Classification Criteria Version 2. Collection method: clinical testing. Allele origin: germline. Affected: yes. Observed: 1 variant allele.
Comment: STXBP5L: BP4, BP7

PreventionGenetics, part of Exact Sciences
Classification: Likely benign for STXBP5L-related condition. Last evaluated: 2019-04-15. Review status: no assertion criteria provided. Collection method: clinical testing. Allele origin: germline. Not counted in ClinVar's aggregate classification.
Comment: This variant is classified as likely benign based on ACMG/AMP sequence variant interpretation guidelines (Richards et al. 2015 PMID: 25741868, with internal and published modifications).